The following is an entry in ClinVar:

NM_000660.7(TGFB1):c.355+3G>A

Genes: TGFB1 (transforming growth factor beta 1; minus strand), LOC130064510 (ATAC-STARR-seq lymphoblastoid silent region 10661; plus strand). Cytogenetic location: 19q13.2.
Variant type: single nucleotide variant.
Coding change: c.355+3G>A on transcript NM_000660.7 (MANE Select); 3 bases into the intron after coding-DNA position 355, G replaced by A.
Molecular consequence: intron variant.
Genome position (GRCh38, 1-based): chr19:41,352,687, C>T on the plus strand (G>A on the coding strand, the complement: TGFB1 is on the minus strand). VCF-style: chr19-41352687-C-T. GRCh37 (hg19) VCF-style: chr19-41858592-C-T.
Identifiers: ClinVar variation 3002832 (VCV003002832.3), dbSNP rs781056172, ClinGen allele CA9460138.

ClinVar aggregate classification (germline): Uncertain significance (1 of 4 stars; one submission).

Allele frequency attached by ClinVar (database versions not stated): ExAC 0.00001; TOPMed 0.00001; gnomAD exomes 0.00002.
gnomAD v4.1: 25 of 1,613,128 alleles (0.0015%); highest among the groups gnomAD compares: East Asian, 0.0022%; no homozygotes.

Submission:

Labcorp Genetics (formerly Invitae), Labcorp
Classification: Uncertain significance. Last evaluated: 2023-10-25. Review status: criteria provided, single submitter. Criteria: Invitae Variant Classification Sherloc (09022015). Collection method: clinical testing. Allele origin: germline.
Comment: This sequence change falls in intron 1 of the TGFB1 gene. It does not directly change the encoded amino acid sequence of the TGFB1 protein. It affects a nucleotide within the consensus splice site. This variant is present in population databases (rs781056172, gnomAD 0.0009%). This variant has not been reported in the literature in individuals affected with TGFB1-related conditions. Variants that disrupt the consensus splice site are a relatively common cause of aberrant splicing (PMID: 17576681, 9536098). Algorithms developed to predict the effect of sequence changes on RNA splicing suggest that this variant is not likely to affect RNA splicing. In summary, the available evidence is currently insufficient to determine the role of this variant in disease. Therefore, it has been classified as a Variant of Uncertain Significance.

Literature cited by the submitters: PubMed 17576681; PubMed 9536098.